The following is an entry in ClinVar:

ClinVar aggregate classification (germline): Uncertain significance (1 of 4 stars; one submission).

Submission:

GeneDx
Classification: Uncertain significance. Last evaluated: 2024-08-26. Review status: criteria provided, single submitter. Criteria: GeneDx Variant Classification Process June 2021. Collection method: clinical testing. Allele origin: germline. Affected: yes.
Comment: Not observed at significant frequency in large population cohorts (gnomAD); In silico analysis supports that this missense variant has a deleterious effect on protein structure/function; Has not been previously published as pathogenic or benign to our knowledge

NM_001348323.3(TRIP12):c.1685G>T (p.Arg562Leu)

Gene: TRIP12 (thyroid hormone receptor interactor 12; minus strand). Cytogenetic location: 2q36.3.
Variant type: single nucleotide variant.
Coding change: c.1685G>T on transcript NM_001348323.3 (MANE Select); coding-DNA position 1685, G replaced by T.
Protein change: p.Arg562Leu; replaces arginine 562 with leucine.
Molecular consequence: missense variant.
Genome position (GRCh38, 1-based): chr2:229,815,145, C>A on the plus strand (G>T on the coding strand, the complement: TRIP12 is on the minus strand). VCF-style: chr2-229815145-C-A. GRCh37 (hg19) VCF-style: chr2-230679861-C-A.
Other names: c.1685G>T, p.Arg562Leu (NM_001284214.2, NM_001348315.2, NM_001348319.1 and 11 more transcripts); c.1559G>T, p.Arg520Leu (NM_001284215.2, NM_001348316.2, NM_001348317.1 and 2 more transcripts); c.650G>T, p.Arg217Leu (NM_001284216.2); c.1598G>T, p.Arg533Leu (NM_001348332.1); c.1541G>T, p.Arg514Leu (NM_004238.3); short protein forms R217L, R514L, R520L, R533L, R562L.
Identifiers: ClinVar variation 3766375 (VCV003766375.1).